The following is an entry in ClinVar:

ClinVar aggregate classification (germline): Uncertain significance (1 of 4 stars; one submission).

Allele frequency attached by ClinVar (database versions not stated): gnomAD exomes below 0.00001.
gnomAD v4.1: 1 of 1,614,154 alleles (0.000062%); highest among the groups gnomAD compares: South Asian, 0.0011%; no homozygotes.

Submission:

GeneDx
Classification: Uncertain significance. Last evaluated: 2019-09-24. Review status: criteria provided, single submitter. Criteria: GeneDx Variant Classification Process June 2021. Collection method: clinical testing. Allele origin: germline. Affected: yes.
Comment: Not observed at a significant frequency in large population cohorts (Lek et al., 2016); In silico analysis, which includes protein predictors and evolutionary conservation, supports that this variant does not alter protein structure/function; Has not been previously published as pathogenic or benign to our knowledge

NM_001242896.3(DEPDC5):c.245A>T (p.Tyr82Phe)

Gene: DEPDC5 (DEP domain containing 5, GATOR1 subcomplex subunit; plus strand). Cytogenetic location: 22q12.2.
Variant type: single nucleotide variant.
Coding change: c.245A>T on transcript NM_001242896.3 (MANE Select); coding-DNA position 245, A replaced by T.
Protein change: p.Tyr82Phe; replaces tyrosine 82 with phenylalanine.
Molecular consequence: missense variant. On other transcripts: non-coding transcript variant (5).
Genome position (GRCh38, 1-based): chr22:31,765,026, A>T. VCF-style: chr22-31765026-A-T. GRCh37 (hg19) VCF-style: chr22-32161012-A-T.
Other names: c.245A>T, p.Tyr82Phe (NM_001007188.4, NM_001136029.4, NM_001242897.2 and 9 more transcripts); short protein forms Y82F.
Identifiers: ClinVar variation 1312463 (VCV001312463.2), dbSNP rs1417599681, ClinGen allele CA411281449.